The following is an entry in ClinVar:

ClinVar aggregate classification (germline): Uncertain significance (1 of 4 stars; one submission).

Allele frequency attached by ClinVar (database versions not stated): gnomAD exomes below 0.00001.

Submission:

Labcorp Genetics (formerly Invitae), Labcorp
Classification: Uncertain significance. Last evaluated: 2020-02-29. Review status: criteria provided, single submitter. Criteria: Invitae Variant Classification Sherloc (09022015). Collection method: clinical testing. Allele origin: germline.
Comment: This variant has not been reported in the literature in individuals with PDZD7-related conditions. This sequence change replaces glutamic acid with aspartic acid at codon 355 of the PDZD7 protein (p.Glu355Asp). The glutamic acid residue is moderately conserved and there is a small physicochemical difference between glutamic acid and aspartic acid. The frequency data for this variant in the population databases is considered unreliable, as metrics indicate insufficient coverage at this position in the ExAC database. Algorithms developed to predict the effect of missense changes on protein structure and function output the following: SIFT: "Tolerated"; PolyPhen-2: "Not Available"; Align-GVGD: "Class C0". The aspartic acid amino acid residue is found in multiple mammalian species, suggesting that this missense change does not adversely affect protein function. These predictions have not been confirmed by published functional studies and their clinical significance is uncertain. In summary, the available evidence is currently insufficient to determine the role of this variant in disease. Therefore, it has been classified as a Variant of Uncertain Significance.

NM_001195263.2(PDZD7):c.1065G>T (p.Glu355Asp)

Gene: PDZD7 (PDZ domain containing 7; minus strand). Cytogenetic location: 10q24.31.
Variant type: single nucleotide variant.
Coding change: c.1065G>T on transcript NM_001195263.2 (MANE Select); coding-DNA position 1065, G replaced by T.
Protein change: p.Glu355Asp; replaces glutamic acid 355 with aspartic acid.
Molecular consequence: missense variant.
Genome position (GRCh38, 1-based): chr10:101,019,081, C>A on the plus strand (G>T on the coding strand, the complement: PDZD7 is on the minus strand). VCF-style: chr10-101019081-C-A. GRCh37 (hg19) VCF-style: chr10-102778838-C-A.
Other names: c.1065G>T, p.Glu355Asp (NM_001351044.2, NM_024895.5); short protein forms E355D.
Identifiers: ClinVar variation 962333 (VCV000962333.9), dbSNP rs1852892391, ClinGen allele CA378228812.